The following is an entry in ClinVar:

NM_020937.4(FANCM):c.4708C>A (p.Arg1570Ser)

Gene: FANCM (FA complementation group M; plus strand). Cytogenetic location: 14q21.2.
Variant type: single nucleotide variant.
Coding change: c.4708C>A on transcript NM_020937.4 (MANE Select); coding-DNA position 4708, C replaced by A.
Protein change: p.Arg1570Ser; replaces arginine 1570 with serine.
Molecular consequence: missense variant.
Genome position (GRCh38, 1-based): chr14:45,187,816, C>A. VCF-style: chr14-45187816-C-A. GRCh37 (hg19) VCF-style: chr14-45657019-C-A.
Other names: c.4630C>A, p.Arg1544Ser (NM_001308133.2); c.4708C>A (NM_020937.2); short protein forms R1570S, R1544S.
Identifiers: ClinVar variation 1387522 (VCV001387522.6), dbSNP rs139376041, ClinGen allele CA389609852.

ClinVar aggregate classification (germline): Uncertain significance. Review status: criteria provided, multiple submitters, no conflicts (2 of 4 stars). 2 submissions from 2 submitters: Uncertain significance (2). Last evaluated 2025-08-07.

Conditions:
Inborn genetic diseases. Identifiers: MedGen C0950123, MeSH D030342.
Fanconi anemia (FA). Also called: Fanconi's anemia. Identifiers: Orphanet 84, MedGen C0015625, MeSH D005199, MONDO:0019391.

Submissions (2):

Ambry Genetics
Classification: Uncertain significance for Inborn genetic diseases. Last evaluated: 2025-08-07. Review status: criteria provided, single submitter. Criteria: Ambry Variant Classification Scheme 2023. Collection method: clinical testing. Allele origin: germline.
Comment: The p.R1570S variant (also known as c.4708C>A), located in coding exon 19 of the FANCM gene, results from a C to A substitution at nucleotide position 4708. The arginine at codon 1570 is replaced by serine, an amino acid with dissimilar properties. This amino acid position is conserved. In addition, this alteration is predicted to be tolerated by in silico analysis. Based on the available evidence, the clinical significance of this variant remains unclear.

Labcorp Genetics (formerly Invitae), Labcorp
Classification: Uncertain significance for Fanconi anemia. Last evaluated: 2021-08-24. Review status: criteria provided, single submitter. Criteria: Invitae Variant Classification Sherloc (09022015). Collection method: clinical testing. Allele origin: germline.
Comment: This sequence change replaces arginine with serine at codon 1570 of the FANCM protein (p.Arg1570Ser). The arginine residue is moderately conserved and there is a moderate physicochemical difference between arginine and serine. This variant is not present in population databases (ExAC no frequency). This variant has not been reported in the literature in individuals affected with FANCM-related conditions. Algorithms developed to predict the effect of missense changes on protein structure and function are either unavailable or do not agree on the potential impact of this missense change (SIFT: "Tolerated"; PolyPhen-2: "Possibly Damaging"; Align-GVGD: "Class C0"). In summary, the available evidence is currently insufficient to determine the role of this variant in disease. Therefore, it has been classified as a Variant of Uncertain Significance.